The following is an entry in ClinVar:

NM_012210.4(TRIM32):c.601C>T (p.Arg201Cys)

Genes: ASTN2 (astrotactin 2; minus strand), TRIM32 (tripartite motif containing 32; plus strand). Cytogenetic location: 9q33.1.
Variant type: single nucleotide variant.
Coding change: c.601C>T on transcript NM_012210.4 (MANE Select); coding-DNA position 601, C replaced by T.
Protein change: p.Arg201Cys; replaces arginine 201 with cysteine.
Molecular consequence: missense variant. On other transcripts: intron variant (3).
Genome position (GRCh38, 1-based): chr9:116,698,343, C>T. VCF-style: chr9-116698343-C-T. GRCh37 (hg19) VCF-style: chr9-119460622-C-T.
Other names: c.601C>T, p.Arg201Cys (NM_001099679.2, NM_001379048.1, NM_001379049.1 and 1 more transcripts); c.2653+27428G>A (NM_014010.5); c.2794+27428G>A (NM_001365069.1); c.2806+27428G>A (NM_001365068.1); short protein forms R201C.
Identifiers: ClinVar variation 1339327 (VCV001339327.10), dbSNP rs147304059, ClinGen allele CA5211013.

ClinVar aggregate classification (germline): Uncertain significance. Review status: criteria provided, multiple submitters, no conflicts (2 of 4 stars). 4 submissions from 4 submitters: Uncertain significance (4). Last evaluated 2025-01-09.

Conditions:
Sarcotubular myopathy (LGMDR8). Also called: Hutterite type of muscular dystrophy; Autosomal recessive limb-girdle muscular dystrophy type 2H; MUSCULAR DYSTROPHY, LIMB-GIRDLE, AUTOSOMAL RECESSIVE 8; Limb-girdle muscular dystrophy, type 2H. Identifiers: Orphanet 1878, MedGen C0270968, MONDO:0009683, OMIM 254110.
Bardet-Biedl syndrome 11 (BBS11). Identifiers: Orphanet 110, MedGen C1859569, MONDO:0014439, OMIM 615988.
Bardet-Biedl syndrome (BBS). Identifiers: Orphanet 110, MedGen C0752166, MONDO:0015229.
TRIM32-related disorder. Also called: TRIM32-related condition.

Allele frequency attached by ClinVar (database versions not stated): TOPMed below 0.00001; gnomAD 0.00001; ExAC 0.00002; 1000 Genomes Project 30x 0.00016; 1000 Genomes Project 0.00020.
gnomAD v4.1: 73 of 1,614,098 alleles (0.0045%); highest among the groups gnomAD compares: Admixed American, 0.01%; no homozygotes.

Submissions (4):

PreventionGenetics, part of Exact Sciences
Classification: Uncertain significance for TRIM32-related condition. Last evaluated: 2025-01-09. Review status: criteria provided, single submitter. Criteria: ACMG Guidelines, 2015. Collection method: clinical testing. Allele origin: germline.
Comment: The TRIM32 c.601C>T variant is predicted to result in the amino acid substitution p.Arg201Cys. To our knowledge, this variant has not been reported in the literature. This variant is reported in 0.017% of alleles in individuals of Latino descent in gnomAD. At this time, the clinical significance of this variant is uncertain due to the absence of conclusive functional and genetic evidence.

Labcorp Genetics (formerly Invitae), Labcorp
Classification: Uncertain significance for Bardet-Biedl syndrome. Last evaluated: 2022-03-15. Review status: criteria provided, single submitter. Criteria: Invitae Variant Classification Sherloc (09022015). Collection method: clinical testing. Allele origin: germline.
Comment: This sequence change replaces arginine, which is basic and polar, with cysteine, which is neutral and slightly polar, at codon 201 of the TRIM32 protein (p.Arg201Cys). This variant is present in population databases (rs147304059, gnomAD 0.02%). This variant has not been reported in the literature in individuals affected with TRIM32-related conditions. Algorithms developed to predict the effect of missense changes on protein structure and function (SIFT, PolyPhen-2, Align-GVGD) all suggest that this variant is likely to be disruptive. In summary, the available evidence is currently insufficient to determine the role of this variant in disease. Therefore, it has been classified as a Variant of Uncertain Significance.

Fulgent Genetics
Classification: Uncertain significance for Sarcotubular myopathy; Bardet-Biedl syndrome 11. Last evaluated: 2021-12-01. Review status: criteria provided, single submitter. Criteria: ACMG Guidelines, 2015. Collection method: clinical testing. Allele origin: unknown.

Molecular Endocrinology Laboratory, Christian Medical College
Classification: Uncertain significance for Bardet-Biedl syndrome 11. Review status: criteria provided, single submitter. Criteria: ACMG Guidelines, 2015. Collection method: clinical testing. Allele origin: germline. Affected: yes.